The following is an entry in ClinVar:

ClinVar aggregate classification (germline): Pathogenic (1 of 4 stars; one submission).

Conditions:
Pitt-Hopkins syndrome (PTHS). Also called: ENCEPHALOPATHY, SEVERE EPILEPTIC, WITH AUTONOMIC DYSFUNCTION; MENTAL RETARDATION, SYNDROMAL, WITH INTERMITTENT HYPERVENTILATION. Identifiers: Orphanet 2896, MedGen C1970431, MONDO:0012589, OMIM 610954.

Submission:

Labcorp Genetics (formerly Invitae), Labcorp
Classification: Pathogenic for Pitt-Hopkins syndrome. Last evaluated: 2024-01-02. Review status: criteria provided, single submitter. Criteria: Invitae Variant Classification Sherloc (09022015). Collection method: clinical testing. Allele origin: unknown.
Comment: This variant is a gross deletion of the genomic region encompassing exon(s) 4-8 of the TCF4 gene. This deletion is out-of-frame, and is expected to create a premature termination codon and result in an absent or disrupted protein product. Loss-of-function variants in TCF4 are known to be pathogenic (PMID: 18728071, 22045651). A similar copy number variant has been observed in individual(s) with TCF4-related conditions (PMID: 29318938). For these reasons, this variant has been classified as Pathogenic.

Literature cited by the submitters: PubMed 18728071; PubMed 22045651; PubMed 29318938.

NC_000018.9:g.(?_53017570)_(53131388_?)del

Gene: TCF4 (transcription factor 4; minus strand). Cytogenetic location: 18q21.2.
Variant type: Deletion.
Identifiers: ClinVar variation 3242759 (VCV003242759.1).